The following is an entry in ClinVar:

NM_001999.4(FBN2):c.7868G>A (p.Arg2623Lys)

Gene: FBN2 (fibrillin 2; minus strand). Cytogenetic location: 5q23.3.
Variant type: single nucleotide variant.
Coding change: c.7868G>A on transcript NM_001999.4 (MANE Select); coding-DNA position 7868, G replaced by A.
Protein change: p.Arg2623Lys; replaces arginine 2623 with lysine.
Molecular consequence: missense variant.
Genome position (GRCh38, 1-based): chr5:128,272,091, C>T on the plus strand (G>A on the coding strand, the complement: FBN2 is on the minus strand). VCF-style: chr5-128272091-C-T. GRCh37 (hg19) VCF-style: chr5-127607783-C-T.
Other names: short protein forms R2623K.
Identifiers: ClinVar variation 2853814 (VCV002853814.3), dbSNP rs2479631998, ClinGen allele CA360751794.
Genomic context (GRCh38, chr5:128,272,091, plus strand): 5'-TAGCCTTGGGGGCAGCCACATCTGTAGCCACCCAGGATGTTCTGGCAGCCGTGTTGGCAC[C>T]TGTGGTTCCCATCACATTCATCAACATCTGCAAAAACAAGCCCGGCAAAACCTTTATGTC-3'
Protein context (NP_001990.2, residues 2613-2633): EDVDECDGNH[Arg2623Lys]CQHGCQNILG

ClinVar aggregate classification (germline): Uncertain significance (1 of 4 stars; one submission).

Conditions:
Congenital contractural arachnodactyly (CCA). Also called: BEALS SYNDROME; Beals-Hecht syndrome; Arthrogryposis, distal, type 9. Identifiers: Orphanet 115, MedGen C0220668, MONDO:0007363, OMIM 121050.

Allele frequency attached by ClinVar (database versions not stated): gnomAD exomes below 0.00001.
gnomAD v4.1: 1 of 1,614,058 alleles (0.000062%); highest among the groups gnomAD compares: Non-Finnish European, 0.000085%; no homozygotes.

Submission:

Labcorp Genetics (formerly Invitae), Labcorp
Classification: Uncertain significance for Congenital contractural arachnodactyly. Last evaluated: 2023-12-10. Review status: criteria provided, single submitter. Criteria: Invitae Variant Classification Sherloc (09022015). Collection method: clinical testing. Allele origin: germline.
Comment: This sequence change replaces arginine, which is basic and polar, with lysine, which is basic and polar, at codon 2623 of the FBN2 protein (p.Arg2623Lys). This variant is not present in population databases (gnomAD no frequency). This variant has not been reported in the literature in individuals affected with FBN2-related conditions. Advanced modeling of protein sequence and biophysical properties (such as structural, functional, and spatial information, amino acid conservation, physicochemical variation, residue mobility, and thermodynamic stability) performed at Invitae indicates that this missense variant is not expected to disrupt FBN2 protein function with a negative predictive value of 80%. In summary, the available evidence is currently insufficient to determine the role of this variant in disease. Therefore, it has been classified as a Variant of Uncertain Significance.